The following is an entry in ClinVar:

NM_001042600.3(MAP4K1):c.2211C>A (p.Ser737=)

Gene: MAP4K1 (mitogen-activated protein kinase kinase kinase kinase 1; minus strand). Cytogenetic location: 19q13.2.
Variant type: single nucleotide variant.
Coding change: c.2211C>A on transcript NM_001042600.3 (MANE Select); coding-DNA position 2211, C replaced by A.
Protein change: p.Ser737=; no amino-acid change (serine 737 retained).
Molecular consequence: synonymous variant.
Genome position (GRCh38, 1-based): chr19:38,595,698, G>T on the plus strand (C>A on the coding strand, the complement: MAP4K1 is on the minus strand). VCF-style: chr19-38595698-G-T. GRCh37 (hg19) VCF-style: chr19-39086338-G-T.
Other names: c.2211C>A, p.Ser737= (NM_007181.6).
Identifiers: ClinVar variation 2649816 (VCV002649816.24), dbSNP rs2514809484, ClinGen allele CA507237507.

ClinVar aggregate classification (germline): Likely benign (1 of 4 stars; one submission).

Allele frequency attached by ClinVar (database versions not stated): gnomAD exomes below 0.00001.
gnomAD v4.1: 1 of 1,611,436 alleles (0.000062%); highest among the groups gnomAD compares: Non-Finnish European, 0.000085%; no homozygotes.

Submission:

CeGaT Center for Human Genetics Tuebingen
Classification: Likely benign. Last evaluated: 2024-03-01. Review status: criteria provided, single submitter. Criteria: CeGaT Center For Human Genetics Tuebingen Variant Classification Criteria Version 2. Collection method: clinical testing. Allele origin: germline. Affected: yes. Observed: 2 variant alleles.
Comment: MAP4K1: PM2:Supporting, BP4, BP7